The following is an entry in ClinVar:

NM_080860.4(RSPH1):c.471C>G (p.His157Gln)

Gene: RSPH1 (radial spoke head component 1; minus strand). Cytogenetic location: 21q22.3.
Variant type: single nucleotide variant.
Coding change: c.471C>G on transcript NM_080860.4 (MANE Select); coding-DNA position 471, C replaced by G.
Protein change: p.His157Gln; replaces histidine 157 with glutamine.
Molecular consequence: missense variant.
Genome position (GRCh38, 1-based): chr21:42,485,699, G>C on the plus strand (C>G on the coding strand, the complement: RSPH1 is on the minus strand). VCF-style: chr21-42485699-G-C. GRCh37 (hg19) VCF-style: chr21-43905809-G-C.
Other names: c.471C>G (NM_080860.2); c.357C>G, p.His119Gln (NM_001286506.2); short protein forms H119Q, H157Q.
Identifiers: ClinVar variation 1053519 (VCV001053519.11), dbSNP rs61758127, ClinGen allele CA10043927.
Genomic context (GRCh38, chr21:42,485,699, plus strand): 5'-ATTGGCAAATGTCACTTCCCATGGACTTACATTTTTGTTCAAGAACTTGCCCTGGTACCT[G>C]TGGTTCAGGTGAATGAGCTCGGCCGTGCCCTCCTGCTGTCCGTTCACCCAGGTGCCAACA-3'
Protein context (NP_543136.1, residues 147-167): EGTAELIHLN[His157Gln]RYQGKFLNKN

ClinVar aggregate classification (germline): Uncertain significance. Review status: criteria provided, multiple submitters, no conflicts (2 of 4 stars). 3 submissions from 3 submitters: Uncertain significance (3). Last evaluated 2025-05-16.

Conditions:
Inborn genetic diseases. Identifiers: MedGen C0950123, MeSH D030342.
Primary ciliary dyskinesia. Also called: Ciliary dyskinesia. Identifiers: Orphanet 244, MedGen C0008780, MONDO:0016575, HP:0012265.

Allele frequency attached by ClinVar (database versions not stated): TOPMed 0.00007; gnomAD 0.00010.
gnomAD v4.1: 95 of 1,614,116 alleles (0.0059%); highest among the groups gnomAD compares: Non-Finnish European, 0.0031%; no homozygotes.

Submissions (3):

Ambry Genetics
Classification: Uncertain significance for Inborn genetic diseases. Last evaluated: 2025-05-16. Review status: criteria provided, single submitter. Criteria: Ambry Variant Classification Scheme 2023. Collection method: clinical testing. Allele origin: germline.

Blueprint Genetics
Classification: Uncertain significance. Last evaluated: 2024-10-03. Review status: criteria provided, single submitter. Criteria: ACMG Guidelines, 2015. Collection method: clinical testing. Allele origin: germline.

Labcorp Genetics (formerly Invitae), Labcorp
Classification: Uncertain significance for Primary ciliary dyskinesia. Last evaluated: 2023-10-03. Review status: criteria provided, single submitter. Criteria: Invitae Variant Classification Sherloc (09022015). Collection method: clinical testing. Allele origin: germline.
Comment: This sequence change replaces histidine, which is basic and polar, with glutamine, which is neutral and polar, at codon 157 of the RSPH1 protein (p.His157Gln). This variant is present in population databases (rs61758127, gnomAD 0.1%). This variant has not been reported in the literature in individuals affected with RSPH1-related conditions. ClinVar contains an entry for this variant (Variation ID: 1053519). An algorithm developed to predict the effect of missense changes on protein structure and function (PolyPhen-2) suggests that this variant is likely to be disruptive. Algorithms developed to predict the effect of sequence changes on RNA splicing suggest that this variant may disrupt the consensus splice site. In summary, the available evidence is currently insufficient to determine the role of this variant in disease. Therefore, it has been classified as a Variant of Uncertain Significance.